The following is an entry in ClinVar:

NC_000006.11:g.(?_129649403)_(129663647_?)del

Gene: LAMA2 (laminin subunit alpha 2; plus strand). Cytogenetic location: 6q22.33.
Variant type: Deletion.
Identifiers: ClinVar variation 3246059 (VCV003246059.1).

ClinVar aggregate classification (germline): Pathogenic (1 of 4 stars; one submission).

Conditions:
LAMA2-related muscular dystrophy (LAMA2-RD). Also called: Laminin alpha 2-related dystrophy. Identifiers: MedGen C5679788, MONDO:0100228.

Submission:

Labcorp Genetics (formerly Invitae), Labcorp
Classification: Pathogenic for LAMA2-related muscular dystrophy. Last evaluated: 2023-10-26. Review status: criteria provided, single submitter. Criteria: Invitae Variant Classification Sherloc (09022015). Collection method: clinical testing. Allele origin: unknown.
Comment: This variant is a gross deletion of the genomic region encompassing exon(s) 29-30 of the LAMA2 gene. This deletion is out-of-frame, and is expected to create a premature termination codon and result in an absent or disrupted protein product. Loss-of-function variants in LAMA2 are known to be pathogenic (PMID: 18700894, 32904964). This variant has not been reported in the literature in individuals affected with LAMA2-related conditions. For these reasons, this variant has been classified as Pathogenic.

Literature cited by the submitters: PubMed 18700894; PubMed 32904964.